The following is an entry in ClinVar:

ClinVar aggregate classification (germline): Likely benign. Review status: criteria provided, multiple submitters, no conflicts (2 of 4 stars). 3 submissions from 3 submitters: Likely benign (3). Last evaluated 2025-05-01.

Conditions:
RYR1-related disorder. Also called: RYR1-related disorders; RYR1-related condition. Identifiers: MedGen CN239331.

Allele frequency attached by ClinVar (database versions not stated): TOPMed below 0.00001; gnomAD exomes 0.00001; ExAC 0.00002; gnomAD 0.00002.
gnomAD v4.1: 23 of 1,612,482 alleles (0.0014%); highest among the groups gnomAD compares: Non-Finnish European, 0.00085%; no homozygotes.

Submissions (3):

CeGaT Center for Human Genetics Tuebingen
Classification: Likely benign. Last evaluated: 2025-05-01. Review status: criteria provided, single submitter. Criteria: CeGaT Center For Human Genetics Tuebingen Variant Classification Criteria Version 2. Collection method: clinical testing. Allele origin: germline. Affected: yes. Observed: 1 variant allele.
Comment: RYR1: BP4, BP7

Labcorp Genetics (formerly Invitae), Labcorp
Classification: Likely benign for RYR1-related disorder. Last evaluated: 2024-08-13. Review status: criteria provided, single submitter. Criteria: Invitae Variant Classification Sherloc (09022015). Collection method: clinical testing. Allele origin: germline.

Blueprint Genetics
Classification: Likely benign. Last evaluated: 2023-11-27. Review status: criteria provided, single submitter. Criteria: ACMG Guidelines, 2015. Collection method: clinical testing. Allele origin: germline.

NM_000540.3(RYR1):c.8799T>C (p.Asn2933=)

Gene: RYR1 (ryanodine receptor 1; plus strand). Cytogenetic location: 19q13.2.
Variant type: single nucleotide variant.
Coding change: c.8799T>C on transcript NM_000540.3 (MANE Select); coding-DNA position 8799, T replaced by C.
Protein change: p.Asn2933=; no amino-acid change (asparagine 2933 retained).
Molecular consequence: synonymous variant.
Genome position (GRCh38, 1-based): chr19:38,506,935, T>C. VCF-style: chr19-38506935-T-C. GRCh37 (hg19) VCF-style: chr19-38997575-T-C.
Other names: c.8799T>C, p.Asn2933= (NM_001042723.2).
Identifiers: ClinVar variation 763190 (VCV000763190.17), dbSNP rs767105170, ClinGen allele CA072705.
Genomic context (GRCh38, chr19:38,506,935, plus strand): 5'-CAAGGAGAAGGCACGAGATCGAGAGAAGGCCCAGGAGCTACTGAAATTCCTGCAGATGAA[T>C]GGCTACGCGGTTACAAGGCACGCGGGTTGGGGCTCCCGCGGAAGAGCAGCAGGCAGAACA-3'
Protein context (NP_000531.2, residues 2923-2943): AQELLKFLQM[Asn2933=]GYAVTRGLKD